The following is an entry in ClinVar:

NM_000147.5(FUCA1):c.649G>A (p.Asp217Asn)

Gene: FUCA1 (alpha-L-fucosidase 1; minus strand). Cytogenetic location: 1p36.11.
Variant type: single nucleotide variant.
Coding change: c.649G>A on transcript NM_000147.5 (MANE Select); coding-DNA position 649, G replaced by A.
Protein change: p.Asp217Asn; replaces aspartic acid 217 with asparagine.
Molecular consequence: missense variant.
Genome position (GRCh38, 1-based): chr1:23,863,147, C>T on the plus strand (G>A on the coding strand, the complement: FUCA1 is on the minus strand). VCF-style: chr1-23863147-C-T. GRCh37 (hg19) VCF-style: chr1-24189637-C-T.
Other names: short protein forms D217N.
Identifiers: ClinVar variation 296888 (VCV000296888.10), dbSNP rs781345107, ClinGen allele CA686493.
Genomic context (GRCh38, chr1:23,863,147, plus strand): 5'-GATTTCATTGATAAAAGTCATAGGGCCAAAATATTTCAGTGTCTTACCTGTTAACAAGGT[C>T]GTACAGCTCTGGCATTGTTTTTGCACTGACAAAATGCTGTGTTTTGAAGCCATTTTTCTT-3'
Protein context (NP_000138.2, residues 207-227): VSAKTMPELY[Asp217Asn]LVNSYKPDLI

ClinVar aggregate classification (germline): Uncertain significance. Review status: criteria provided, multiple submitters, no conflicts (2 of 4 stars). 4 submissions from 4 submitters: Uncertain significance (4). Last evaluated 2026-09-15.

Conditions:
Inborn genetic diseases. Identifiers: MedGen C0950123, MeSH D030342.
Fucosidosis. Also called: ALPHA-L-FUCOSIDASE DEFICIENCY. Identifiers: Orphanet 349, MedGen C0016788, MONDO:0009254, OMIM 230000.

Allele frequency attached by ClinVar (database versions not stated): ExAC 0.00001; gnomAD exomes 0.00001; gnomAD 0.00004; TOPMed 0.00005.

Submissions (4):

GeneDx
Classification: Uncertain significance. Last evaluated: 2026-09-15. Review status: criteria provided, single submitter. Criteria: GeneDx Variant Classification Process June 2021. Collection method: clinical testing. Allele origin: germline.
Comment: Has not been previously published as pathogenic or benign to our knowledge; Not observed at significant frequency in large population cohorts (gnomAD); In silico analysis supports that this missense variant has a deleterious effect on protein structure/function

Labcorp Genetics (formerly Invitae), Labcorp
Classification: Uncertain significance for Fucosidosis. Last evaluated: 2022-07-05. Review status: criteria provided, single submitter. Criteria: Invitae Variant Classification Sherloc (09022015). Collection method: clinical testing. Allele origin: germline.
Comment: This sequence change replaces aspartic acid, which is acidic and polar, with asparagine, which is neutral and polar, at codon 217 of the FUCA1 protein (p.Asp217Asn). This variant is present in population databases (rs781345107, gnomAD 0.01%). This variant has not been reported in the literature in individuals affected with FUCA1-related conditions. ClinVar contains an entry for this variant (Variation ID: 296888). Algorithms developed to predict the effect of missense changes on protein structure and function (SIFT, PolyPhen-2, Align-GVGD) all suggest that this variant is likely to be tolerated. In summary, the available evidence is currently insufficient to determine the role of this variant in disease. Therefore, it has been classified as a Variant of Uncertain Significance.

Ambry Genetics
Classification: Uncertain significance for Inborn genetic diseases. Last evaluated: 2021-07-09. Review status: criteria provided, single submitter. Criteria: Ambry Variant Classification Scheme 2023. Collection method: clinical testing. Allele origin: germline.

Illumina Laboratory Services, Illumina
Classification: Uncertain significance for Fucosidosis. Last evaluated: 2018-01-13. Review status: criteria provided, single submitter. Criteria: ICSL Variant Classification Criteria 13 December 2019. Collection method: clinical testing. Allele origin: germline.